The following is an entry in ClinVar:

ClinVar aggregate classification (germline): Uncertain significance (1 of 4 stars; one submission).

Allele frequency attached by ClinVar (database versions not stated): gnomAD exomes below 0.00001.
gnomAD v4.1: 2 of 1,584,238 alleles (0.00013%); highest among the groups gnomAD compares: Non-Finnish European, 0.00017%; no homozygotes.

Submission:

Labcorp Genetics (formerly Invitae), Labcorp
Classification: Uncertain significance. Last evaluated: 2022-03-04. Review status: criteria provided, single submitter. Criteria: Invitae Variant Classification Sherloc (09022015). Collection method: clinical testing. Allele origin: germline.
Comment: Algorithms developed to predict the effect of missense changes on protein structure and function are either unavailable or do not agree on the potential impact of this missense change (SIFT: "Not Available"; PolyPhen-2: "Benign"; Align-GVGD: "Not Available"). In summary, the available evidence is currently insufficient to determine the role of this variant in disease. Therefore, it has been classified as a Variant of Uncertain Significance. This variant has not been reported in the literature in individuals affected with IFT88-related conditions. This sequence change replaces isoleucine, which is neutral and non-polar, with valine, which is neutral and non-polar, at codon 281 of the IFT88 protein (p.Ile281Val). This variant is not present in population databases (gnomAD no frequency).

NM_006531.5(IFT88):c.814A>G (p.Ile272Val)

Gene: IFT88 (intraflagellar transport 88; plus strand). Cytogenetic location: 13q12.11.
Variant type: single nucleotide variant.
Coding change: c.814A>G on transcript NM_006531.5 (MANE Select); coding-DNA position 814, A replaced by G.
Protein change: p.Ile272Val; replaces isoleucine 272 with valine.
Molecular consequence: missense variant. On other transcripts: non-coding transcript variant (5).
Genome position (GRCh38, 1-based): chr13:20,601,706, A>G. VCF-style: chr13-20601706-A-G. GRCh37 (hg19) VCF-style: chr13-21175845-A-G.
Other names: c.757A>G, p.Ile253Val (NM_001318491.2, NM_001353573.2, NM_001353574.2 and 1 more transcripts); c.841A>G, p.Ile281Val (NM_001318493.2, NM_001353565.2, NM_001353566.2 and 6 more transcripts); c.814A>G, p.Ile272Val (NM_001353568.2, NM_001353571.2, NM_001353572.2 and 1 more transcripts); c.181A>G, p.Ile61Val (NM_001353579.2); short protein forms I272V, I61V, I253V, I281V.
Identifiers: ClinVar variation 2089321 (VCV002089321.4), dbSNP rs2548162337, ClinGen allele CA387474222.